The following is an entry in ClinVar:

ClinVar aggregate classification (germline): Uncertain significance (1 of 4 stars; one submission).

Submission:

GeneDx
Classification: Uncertain significance. Last evaluated: 2019-02-13. Review status: criteria provided, single submitter. Criteria: GeneDx Variant Classification Process June 2021. Collection method: clinical testing. Allele origin: germline. Affected: yes.
Comment: Not observed in large population cohorts (Lek et al., 2016); In silico analysis, which includes protein predictors and evolutionary conservation, supports a deleterious effect; Has not been previously published as pathogenic or benign to our knowledge

NM_080680.3(COL11A2):c.4115G>A (p.Gly1372Asp)

Gene: COL11A2 (collagen type XI alpha 2 chain; minus strand). Cytogenetic location: 6p21.32.
Variant type: single nucleotide variant.
Coding change: c.4115G>A on transcript NM_080680.3 (MANE Select); coding-DNA position 4115, G replaced by A.
Protein change: p.Gly1372Asp; replaces glycine 1372 with aspartic acid.
Molecular consequence: missense variant.
Genome position (GRCh38, 1-based): chr6:33,167,433, C>T on the plus strand (G>A on the coding strand, the complement: COL11A2 is on the minus strand). VCF-style: chr6-33167433-C-T. GRCh37 (hg19) VCF-style: chr6-33135210-C-T.
Other names: c.3794G>A, p.Gly1265Asp (NM_080679.3); c.3857G>A, p.Gly1286Asp (NM_080681.3); short protein forms G1265D, G1286D, G1372D.
Identifiers: ClinVar variation 1305255 (VCV001305255.2), dbSNP rs2150525372, ClinGen allele CA363623021.